The following is an entry in ClinVar:

ClinVar aggregate classification (germline): Pathogenic (1 of 4 stars; one submission).

Conditions:
Ehlers-Danlos syndrome, classic type, 1 (EDSCL1). Also called: EHLERS-DANLOS SYNDROME, GRAVIS TYPE; EHLERS-DANLOS SYNDROME, SEVERE CLASSIC TYPE; Ehlers-Danlos syndrome, type 1; EDS I; Ehlers-Danlos Syndrome, Classic Type, COL5A1-Related. Identifiers: MedGen C0268335, MONDO:0019567, OMIM 130000.
Osteogenesis imperfecta type I (OI1). Also called: OI, TYPE I; OSTEOGENESIS IMPERFECTA TARDA; OSTEOGENESIS IMPERFECTA WITH BLUE SCLERAE; Osteogenesis imperfecta type 1; Lobstein's Disease; Lobstein disease. Identifiers: Orphanet 216796, Orphanet 666, MedGen C0023931, MONDO:0008146, OMIM 166200. Disease mechanism: loss of function.

Submission:

Labcorp Genetics (formerly Invitae), Labcorp
Classification: Pathogenic for Osteogenesis imperfecta type I; Ehlers-Danlos syndrome, classic type, 1. Last evaluated: 2022-10-13. Review status: criteria provided, single submitter. Criteria: Invitae Variant Classification Sherloc (09022015). Collection method: clinical testing. Allele origin: germline.
Comment: Advanced modeling of protein sequence and biophysical properties (such as structural, functional, and spatial information, amino acid conservation, physicochemical variation, residue mobility, and thermodynamic stability) performed at Invitae indicates that this missense variant is expected to disrupt COL1A2 protein function. For these reasons, this variant has been classified as Pathogenic. This variant disrupts the p.Gly286 amino acid residue in COL1A2. Other variant(s) that disrupt this residue have been observed in individuals with COL1A2-related conditions (PMID: 11317364, 17078022, 26177859), which suggests that this may be a clinically significant amino acid residue. This variant disrupts the triple helix domain of COL1A2. Glycine residues within the Gly-Xaa-Yaa repeats of the triple helix domain are required for the structure and stability of fibrillar collagens (PMID: 7695699, 8218237, 19344236). In COL1A2, variants affecting these glycine residues are significantly enriched in individuals with disease (PMID: 9016532, 17078022) compared to the general population (ExAC). This variant has not been reported in the literature in individuals affected with COL1A2-related conditions. This variant is not present in population databases (gnomAD no frequency). This sequence change replaces glycine, which is neutral and non-polar, with cysteine, which is neutral and slightly polar, at codon 286 of the COL1A2 protein (p.Gly286Cys).

Literature cited by the submitters: PubMed 11317364; PubMed 17078022; PubMed 26177859; PubMed 7695699; PubMed 8218237; PubMed 19344236; PubMed 9016532.

NM_000089.4(COL1A2):c.856G>T (p.Gly286Cys)

Gene: COL1A2 (collagen type I alpha 2 chain; plus strand). Cytogenetic location: 7q21.3.
Variant type: single nucleotide variant.
Coding change: c.856G>T on transcript NM_000089.4 (MANE Select); coding-DNA position 856, G replaced by T.
Protein change: p.Gly286Cys; replaces glycine 286 with cysteine.
Molecular consequence: missense variant.
Genome position (GRCh38, 1-based): chr7:94,409,385, G>T. VCF-style: chr7-94409385-G-T. GRCh37 (hg19) VCF-style: chr7-94038697-G-T.
Other names: short protein forms G286C.
Identifiers: ClinVar variation 2035312 (VCV002035312.4), dbSNP rs1114167418, ClinGen allele CA368220657.